The following is an entry in ClinVar:

ClinVar aggregate classification (germline): Uncertain significance. Review status: criteria provided, multiple submitters, no conflicts (2 of 4 stars). 2 submissions from 2 submitters: Uncertain significance (2). Last evaluated 2025-10-21.

Allele frequency attached by ClinVar (database versions not stated): gnomAD exomes 0.00003 and 0.00007; ExAC 0.00004; gnomAD 0.00006; TOPMed 0.00008.
gnomAD v4.1: 119 of 1,612,848 alleles (0.0074%); highest among the groups gnomAD compares: Non-Finnish European, 0.0089%; 1 homozygote.

Submissions (2):

Labcorp Genetics (formerly Invitae), Labcorp
Classification: Uncertain significance. Last evaluated: 2025-10-21. Review status: criteria provided, single submitter. Criteria: Invitae Variant Classification Sherloc (09022015). Collection method: clinical testing. Allele origin: germline.
Comment: This sequence change replaces glycine, which is neutral and non-polar, with arginine, which is basic and polar, at codon 61 of the FCHO1 protein (p.Gly61Arg). This variant is present in population databases (rs771736285, gnomAD 0.007%). This variant has not been reported in the literature in individuals affected with FCHO1-related conditions. ClinVar contains an entry for this variant (Variation ID: 1405321). An algorithm developed to predict the effect of missense changes on protein structure and function (PolyPhen-2) suggests that this variant is likely to be disruptive. In summary, the available evidence is currently insufficient to determine the role of this variant in disease. Therefore, it has been classified as a Variant of Uncertain Significance.

Ambry Genetics
Classification: Uncertain significance. Last evaluated: 2023-12-09. Review status: criteria provided, single submitter. Criteria: Ambry Variant Classification Scheme 2023. Collection method: clinical testing. Allele origin: germline.

NM_015122.3(FCHO1):c.181G>A (p.Gly61Arg)

Gene: FCHO1 (FCH and mu domain containing endocytic adaptor 1; plus strand). Cytogenetic location: 19p13.11.
Variant type: single nucleotide variant.
Coding change: c.181G>A on transcript NM_015122.3 (MANE Select); coding-DNA position 181, G replaced by A.
Protein change: p.Gly61Arg; replaces glycine 61 with arginine.
Molecular consequence: missense variant. On other transcripts: non-coding transcript variant (36), intron variant (1).
Genome position (GRCh38, 1-based): chr19:17,764,436, G>A. VCF-style: chr19-17764436-G-A. GRCh37 (hg19) VCF-style: chr19-17875245-G-A.
Other names: c.181G>A (NM_001161357.1); c.181G>A, p.Gly61Arg (NM_001161357.2, NM_001161358.2, NM_001384370.1 and 29 more transcripts); c.31G>A, p.Gly11Arg (NM_001161359.2, NM_001384384.1, NM_001384385.1 and 3 more transcripts); c.119+1583G>A (NM_001384390.1); short protein forms G61R, G11R.
Identifiers: ClinVar variation 1405321 (VCV001405321.8), dbSNP rs771736285, ClinGen allele CA9300003.